The following is an entry in ClinVar:

NM_003502.4(AXIN1):c.2294+8C>T

Gene: AXIN1 (axin 1; minus strand). Cytogenetic location: 16p13.3.
Variant type: single nucleotide variant.
Coding change: c.2294+8C>T on transcript NM_003502.4 (MANE Select); 8 bases into the intron after coding-DNA position 2294, C replaced by T.
Molecular consequence: intron variant.
Genome position (GRCh38, 1-based): chr16:291,182, G>A on the plus strand (C>T on the coding strand, the complement: AXIN1 is on the minus strand). VCF-style: chr16-291182-G-A. GRCh37 (hg19) VCF-style: chr16-341182-G-A.
Other names: c.2187-1575C>T (NM_181050.3).
Identifiers: ClinVar variation 3056732 (VCV003056732.2), dbSNP rs118063900, ClinGen allele CA7773873.
Genomic context (GRCh38, chr16:291,182, plus strand): 5'-ATGGGACCTGGCTTGGGACGCCAGGGCTGGGGTGGGCAGGACCGGGAGGACCCTCAGGAC[G>A]CACGTACTCTGTCTCGGAGAGCTCCATGTCCGACACGGCTGGTACCACGTGCAGCACCGG-3'

ClinVar aggregate classification (germline): Benign (0 of 4 stars; one submission).

Conditions:
AXIN1-related disorder. Also called: AXIN1-related condition.

Allele frequency attached by ClinVar (database versions not stated): 1000 Genomes Project 30x 0.01156; 1000 Genomes Project 0.01338; ESP Exome Variant Server 0.02208.
gnomAD v4.1: 44,688 of 1,572,316 alleles (2.8%); highest among the groups gnomAD compares: Middle Eastern, 4.3%; 756 homozygotes.

Submission:

PreventionGenetics, part of Exact Sciences
Classification: Benign for AXIN1-related condition. Last evaluated: 2019-10-07. Review status: no assertion criteria provided. Collection method: clinical testing. Allele origin: germline.
Comment: This variant is classified as benign based on ACMG/AMP sequence variant interpretation guidelines (Richards et al. 2015 PMID: 25741868, with internal and published modifications).